The following is an entry in ClinVar:

NM_006269.2(RP1):c.3827C>T (p.Pro1276Leu)

Gene: RP1 (RP1 axonemal microtubule associated; plus strand). Cytogenetic location: 8q12.1.
Variant type: single nucleotide variant.
Coding change: c.3827C>T on transcript NM_006269.2 (MANE Select); coding-DNA position 3827, C replaced by T.
Protein change: p.Pro1276Leu; replaces proline 1276 with leucine.
Molecular consequence: missense variant. On other transcripts: intron variant (1).
Genome position (GRCh38, 1-based): chr8:54,627,709, C>T. VCF-style: chr8-54627709-C-T. GRCh37 (hg19) VCF-style: chr8-55540269-C-T.
Other names: c.787+5421C>T (NM_001375654.1); short protein forms P1276L.
Identifiers: ClinVar variation 1386853 (VCV001386853.6), dbSNP rs1806110455, ClinGen allele CA370997361.

ClinVar aggregate classification (germline): Uncertain significance (1 of 4 stars; one submission).

Allele frequency attached by ClinVar (database versions not stated): TOPMed 0.00001.

Submission:

Labcorp Genetics (formerly Invitae), Labcorp
Classification: Uncertain significance. Last evaluated: 2026-01-05. Review status: criteria provided, single submitter. Criteria: Invitae Variant Classification Sherloc (09022015). Collection method: clinical testing. Allele origin: germline.
Comment: This sequence change replaces proline, which is neutral and non-polar, with leucine, which is neutral and non-polar, at codon 1276 of the RP1 protein (p.Pro1276Leu). This variant is not present in population databases (gnomAD no frequency). This variant has not been reported in the literature in individuals affected with RP1-related conditions. ClinVar contains an entry for this variant (Variation ID: 1386853). An algorithm developed to predict the effect of missense changes on protein structure and function outputs the following: PolyPhen-2: "Benign". The leucine amino acid residue is found in multiple mammalian species, which suggests that this missense change does not adversely affect protein function. In summary, the available evidence is currently insufficient to determine the role of this variant in disease. Therefore, it has been classified as a Variant of Uncertain Significance.